The following is an entry in ClinVar:

ClinVar aggregate classification (germline): Pathogenic (1 of 4 stars; one submission).

Conditions:
Hereditary cancer-predisposing syndrome. Also called: Neoplastic Syndromes, Hereditary; Tumor predisposition; Hereditary neoplastic syndrome; Hereditary Cancer Syndrome. Identifiers: Orphanet 140162, MedGen C0027672, MeSH D009386, MONDO:0015356.

Submission:

Ambry Genetics
Classification: Pathogenic for Hereditary cancer-predisposing syndrome. Last evaluated: 2026-07-13. Review status: criteria provided, single submitter. Criteria: Ambry Variant Classification Scheme 2023. Collection method: clinical testing. Allele origin: germline.
Comment: The c.2103_2109delCCCAGAG (p.S701Rfs*43) alteration, located in exon 14 (coding exon 14) of the PTCH1 gene, consists of a deletion of 7 nucleotides from position 2103 to 2109, causing a translational frameshift with a predicted alternate stop codon after 43 amino acids. This variant is expected to result in loss of function by premature protein truncation or nonsense-mediated mRNA decay. This variant was not reported in population-based cohorts in the Genome Aggregation Database (gnomAD). Based on the available evidence, this alteration is classified as pathogenic.

NM_000264.5(PTCH1):c.2103_2109del (p.Ser701fs)

Genes: PTCH1 (patched 1; minus strand), LOC100507346 (uncharacterized LOC100507346; plus strand). Cytogenetic location: 9q22.32.
Variant type: Deletion.
Coding change: c.2103_2109del on transcript NM_000264.5 (MANE Select); coding-DNA positions 2103 to 2109, 7 bases deleted (CCCAGAG; older notation c.2103_2109delCCCAGAG).
Protein change: p.Ser701fs; shifts the reading frame from serine 701.
Molecular consequence: frameshift variant. On other transcripts: non-coding transcript variant (2).
Genome position (GRCh38, 1-based): chr9:95,468,892-95,468,898, CTCTGGG deleted on the plus strand (CCCAGAG on the coding strand, the reverse complement: PTCH1 is on the minus strand); deleting any 7 consecutive bases within chr9:95,468,892-95,468,904 gives the same sequence; the c. name uses the placement nearest the transcript's 3' end. VCF-style (leftmost placement, unchanged base first): chr9-95468891-TCTCTGGG-T. GRCh37 (hg19) VCF-style: chr9-98231173-TCTCTGGG-T.
Other names: c.1650_1656del, p.Ser550fs (NM_001083606.3, NM_001083607.3, NM_001083604.3 and 1 more transcripts); c.1947_1953del, p.Ser649fs (NM_001354918.2); c.1905_1911del, p.Ser635fs (NM_001083602.3); c.2100_2106del, p.Ser700fs (NM_001083603.3); c.2103_2109delCCCAGAG (NM_000264.3); short protein forms S550fs, S635fs, S649fs, S700fs, S701fs.
Identifiers: ClinVar variation 5027578 (VCV005027578.1).